The following is an entry in ClinVar:

NM_130839.5(UBE3A):c.2268A>G (p.Ile756Met)

Genes: SNHG14 (small nucleolar RNA host gene 14; plus strand), UBE3A (ubiquitin protein ligase E3A; minus strand). Cytogenetic location: 15q11.2.
Variant type: single nucleotide variant.
Coding change: c.2268A>G on transcript NM_130839.5 (MANE Select); coding-DNA position 2268, A replaced by G.
Protein change: p.Ile756Met; replaces isoleucine 756 with methionine.
Molecular consequence: missense variant. On other transcripts: non-coding transcript variant (1), intron variant (3).
Genome position (GRCh38, 1-based): chr15:25,354,540, T>C on the plus strand (A>G on the coding strand, the complement: UBE3A is on the minus strand). VCF-style: chr15-25354540-T-C. GRCh37 (hg19) VCF-style: chr15-25599687-T-C.
Other names: c.2277A>G, p.Ile759Met (NM_000462.5); c.2268A>G, p.Ile756Met (NM_001354505.1, NM_001354538.2); c.2208A>G, p.Ile736Met (NM_001354506.2, NM_001354507.2, NM_001354508.2 and 14 more transcripts); c.2091A>G, p.Ile697Met (NM_001354546.2); c.2043A>G, p.Ile681Met (NM_001354549.2); c.1017A>G, p.Ile339Met (NM_001354550.2); c.957A>G, p.Ile319Met (NM_001354551.2); c.2065-114A>G (NM_001354548.2, NM_001354547.2); and 1 more; short protein forms I319M, I339M, I681M, I697M, I736M, I756M, I759M.
Identifiers: ClinVar variation 3893499 (VCV003893499.1).

ClinVar aggregate classification (germline): Uncertain significance (1 of 4 stars; one submission).

Submission:

GeneDx
Classification: Uncertain significance. Last evaluated: 2024-10-22. Review status: criteria provided, single submitter. Criteria: GeneDx Variant Classification Process June 2021. Collection method: clinical testing. Allele origin: germline. Affected: yes.
Comment: Not observed at significant frequency in large population cohorts (gnomAD); In silico analysis indicates that this missense variant does not alter protein structure/function; Has not been previously published as pathogenic or benign to our knowledge